The following is an entry in ClinVar:

ClinVar aggregate classification (germline): Likely benign. Review status: criteria provided, single submitter (1 of 4 stars). 2 submissions from 2 submitters: Likely benign (1). 1 of the submissions does not count toward it. Last evaluated 2025-10-28.

Conditions:
Granulomatous disease, chronic, X-linked. Also called: CYTOCHROME b-NEGATIVE GRANULOMATOUS DISEASE, CHRONIC, X-LINKED; GRANULOMATOUS DISEASE, CHRONIC, X-LINKED, SOMATIC MOSAIC. Identifiers: Orphanet 379, MedGen C1844376, MONDO:0010600, OMIM 306400.
CYBB-related disorder. Also called: CYBB-related condition.

Allele frequency attached by ClinVar (database versions not stated): gnomAD exomes below 0.00001; TOPMed below 0.00001; gnomAD 0.00001.
gnomAD v4.1: 5 of 1,200,894 alleles (0.00042%); highest among the groups gnomAD compares: Middle Eastern, 0.023%; no homozygotes.

Submissions (2):

Labcorp Genetics (formerly Invitae), Labcorp
Classification: Likely benign for Granulomatous disease, chronic, X-linked. Last evaluated: 2025-10-28. Review status: criteria provided, single submitter. Criteria: Invitae Variant Classification Sherloc (09022015). Collection method: clinical testing. Allele origin: germline.

PreventionGenetics, part of Exact Sciences
Classification: Likely benign for CYBB-related condition. Last evaluated: 2019-09-17. Review status: no assertion criteria provided. Collection method: clinical testing. Allele origin: germline. Not counted in ClinVar's aggregate classification.
Comment: This variant is classified as likely benign based on ACMG/AMP sequence variant interpretation guidelines (Richards et al. 2015 PMID: 25741868, with internal and published modifications).

NM_000397.4(CYBB):c.315A>G (p.Ala105=)

Gene: CYBB (cytochrome b-245 beta chain; plus strand). Cytogenetic location: Xp21.1.
Variant type: single nucleotide variant.
Coding change: c.315A>G on transcript NM_000397.4 (MANE Select); coding-DNA position 315, A replaced by G.
Protein change: p.Ala105=; no amino-acid change (alanine 105 retained).
Molecular consequence: synonymous variant.
Genome position (GRCh38, 1-based): chrX:37,792,037, A>G. VCF-style: chrX-37792037-A-G. GRCh37 (hg19) VCF-style: chrX-37651290-A-G.
Other names: c.315A>G (NM_000397.3).
Identifiers: ClinVar variation 1592620 (VCV001592620.10), dbSNP rs1194793672, ClinGen allele CA515670051.